The following is an entry in ClinVar:

NM_177986.5(DSG4):c.1930A>C (p.Ile644Leu)

Genes: DSG1-AS1 (DSG1 antisense RNA 1; minus strand), DSG4 (desmoglein 4; plus strand). Cytogenetic location: 18q12.1.
Variant type: single nucleotide variant.
Coding change: c.1930A>C on transcript NM_177986.5 (MANE Select); coding-DNA position 1930, A replaced by C.
Protein change: p.Ile644Leu; replaces isoleucine 644 with leucine.
Molecular consequence: missense variant.
Genome position (GRCh38, 1-based): chr18:31,406,370, A>C. VCF-style: chr18-31406370-A-C. GRCh37 (hg19) VCF-style: chr18-28986333-A-C.
Other names: c.1930A>C, p.Ile644Leu (NM_001134453.3); short protein forms I644L.
Identifiers: ClinVar variation 326441 (VCV000326441.15), dbSNP rs4799570, ClinGen allele CA8927121.

ClinVar aggregate classification (germline): Benign. Review status: criteria provided, multiple submitters, no conflicts (2 of 4 stars). 4 submissions from 4 submitters: Benign (4). Last evaluated 2026-02-04.

Conditions:
Hypotrichosis 6 (HYPT6). Also called: HYPOTRICHOSIS, LOCALIZED, AUTOSOMAL RECESSIVE 1; MONILETHRIX-LIKE HYPOTRICHOSIS. Identifiers: Orphanet 55654, MedGen C1842839, MONDO:0011932, OMIM 607903.

Allele frequency attached by ClinVar (database versions not stated): gnomAD exomes 0.90299 and 0.92145; ExAC 0.92026; ESP Exome Variant Server 0.92434; gnomAD 0.93107; TOPMed 0.93437; 1000 Genomes Project 30x 0.96549; 1000 Genomes Project 0.96585.
gnomAD v4.1: 1,461,740 of 1,614,036 alleles (91%); highest among the groups gnomAD compares: East Asian, 100%; 662,833 homozygotes.

Submissions (4):

Labcorp Genetics (formerly Invitae), Labcorp
Classification: Benign. Last evaluated: 2026-02-04. Review status: criteria provided, single submitter. Criteria: Invitae Variant Classification Sherloc (09022015). Collection method: clinical testing. Allele origin: germline.

GeneDx
Classification: Benign. Last evaluated: 2018-11-10. Review status: criteria provided, single submitter. Criteria: GeneDx Variant Classification Process June 2021. Collection method: clinical testing. Allele origin: germline. Affected: yes.

Illumina Laboratory Services, Illumina
Classification: Benign for Hypotrichosis 6. Last evaluated: 2018-01-12. Review status: criteria provided, single submitter. Criteria: ICSL Variant Classification Criteria 13 December 2019. Collection method: clinical testing. Allele origin: germline.
Comment: This variant was observed in the ICSL laboratory as part of a predisposition screen in an ostensibly healthy population. It had not been previously curated by ICSL or reported in the Human Gene Mutation Database (HGMD: prior to June 1st, 2018), and was therefore a candidate for classification through an automated scoring system. Utilizing variant allele frequency, disease prevalence and penetrance estimates, and inheritance mode, an automated score was calculated to assess if this variant is too frequent to cause the disease. Based on the score and internal cut-off values, a variant classified as benign is not then subjected to further curation. The score for this variant resulted in a classification of benign for this disease.

Breakthrough Genomics
Classification: Benign. Review status: criteria provided, single submitter. Criteria: ACMG Guidelines, 2015. Collection method: not provided. Allele origin: germline. Inheritance: Autosomal recessive inheritance. Affected: yes.